The following is an entry in ClinVar:

ClinVar aggregate classification (germline): Uncertain significance (1 of 4 stars; one submission).

Allele frequency attached by ClinVar (database versions not stated): gnomAD exomes below 0.00001.
gnomAD v4.1: 2 of 1,614,068 alleles (0.00012%); highest among the groups gnomAD compares: Non-Finnish European, 0.00017%; no homozygotes.

Submission:

GeneDx
Classification: Uncertain significance. Last evaluated: 2017-07-07. Review status: criteria provided, single submitter. Criteria: GeneDx Variant Classification (06012015). Collection method: clinical testing. Allele origin: germline. Affected: yes.
Comment: The G2215D variant in the HERC2 gene has not been reported previously as a pathogenic variant, nor as a benign variant, to our knowledge. The G2215D variant is not observed in large population cohorts (Lek et al., 2016; 1000 Genomes Consortium et al., 2015; Exome Variant Server). The G2215D variant is a non-conservative amino acid substitution, which is likely to impact secondary protein structure as these residues differ in polarity, charge, size and/or other properties. This substitution occurs at a position that is not conserved. In silico analysis is inconsistent in its predictions as to whether or not the variant is damaging to the protein structure/function. We interpret G2215D as a variant of uncertain significance.

NM_004667.6(HERC2):c.6644G>A (p.Gly2215Asp)

Gene: HERC2 (HECT and RLD domain containing E3 ubiquitin protein ligase 2; minus strand). Cytogenetic location: 15q13.1.
Variant type: single nucleotide variant.
Coding change: c.6644G>A on transcript NM_004667.6 (MANE Select); coding-DNA position 6644, G replaced by A.
Protein change: p.Gly2215Asp; replaces glycine 2215 with aspartic acid.
Molecular consequence: missense variant.
Genome position (GRCh38, 1-based): chr15:28,213,884, C>T on the plus strand (G>A on the coding strand, the complement: HERC2 is on the minus strand). VCF-style: chr15-28213884-C-T. GRCh37 (hg19) VCF-style: chr15-28459030-C-T.
Other names: short protein forms G2215D.
Identifiers: ClinVar variation 450135 (VCV000450135.2), dbSNP rs1555428593, ClinGen allele CA391399826.